The following is an entry in ClinVar:

NM_001830.4(CLCN4):c.340T>C (p.Cys114Arg)

Gene: CLCN4 (Cl-/H+ antiporter 4; plus strand). Cytogenetic location: Xp22.2.
Variant type: single nucleotide variant.
Coding change: c.340T>C on transcript NM_001830.4 (MANE Select); coding-DNA position 340, T replaced by C.
Protein change: p.Cys114Arg; replaces cysteine 114 with arginine.
Molecular consequence: missense variant.
Genome position (GRCh38, 1-based): chrX:10,195,006, T>C. VCF-style: chrX-10195006-T-C. GRCh37 (hg19) VCF-style: chrX-10163046-T-C.
Other names: c.58T>C, p.Cys20Arg (NM_001256944.2); short protein forms C114R, C20R.
Identifiers: ClinVar variation 948087 (VCV000948087.10), dbSNP rs1924060822, ClinGen allele CA412034206.

ClinVar aggregate classification (germline): Uncertain significance. Review status: criteria provided, multiple submitters, no conflicts (2 of 4 stars). 2 submissions from 2 submitters: Uncertain significance (2). Last evaluated 2025-08-12.

Submissions (2):

GeneDx
Classification: Uncertain significance. Last evaluated: 2025-08-12. Review status: criteria provided, single submitter. Criteria: GeneDx Variant Classification Process June 2021. Collection method: clinical testing. Allele origin: germline. Affected: yes.
Comment: Not observed at significant frequency in large population cohorts (gnomAD); In silico analysis supports that this missense variant has a deleterious effect on protein structure/function; Has not been previously published as pathogenic or benign to our knowledge

Labcorp Genetics (formerly Invitae), Labcorp
Classification: Uncertain significance. Last evaluated: 2019-06-19. Review status: criteria provided, single submitter. Criteria: Invitae Variant Classification Sherloc (09022015). Collection method: clinical testing. Allele origin: germline.
Comment: This variant has not been reported in the literature in individuals with CLCN4-related conditions. Algorithms developed to predict the effect of missense changes on protein structure and function (SIFT, PolyPhen-2, Align-GVGD) all suggest that this variant is likely to be disruptive, but these predictions have not been confirmed by published functional studies and their clinical significance is uncertain. In summary, the available evidence is currently insufficient to determine the role of this variant in disease. Therefore, it has been classified as a Variant of Uncertain Significance. This variant is not present in population databases (ExAC no frequency). This sequence change replaces cysteine with arginine at codon 114 of the CLCN4 protein (p.Cys114Arg). The cysteine residue is highly conserved and there is a large physicochemical difference between cysteine and arginine.